The following is an entry in ClinVar:

NM_201378.4(PLEC):c.71-11527_71-11523dup

Gene: PLEC (plectin; minus strand). Cytogenetic location: 8q24.3.
Variant type: Duplication.
Coding change: c.71-11527_71-11523dup on transcript NM_201378.4 (MANE Plus Clinical); 11527 bases into the intron before coding-DNA position 71 through 11523 bases into the intron before coding-DNA position 71, 5 bases duplicated (TGGCC; older notation c.71-11527_71-11523dupTGGCC).
Molecular consequence: intron variant. On other transcripts: frameshift variant (1).
Genome position (GRCh38, 1-based): chr8:143,950,215-143,950,219, GGCCA duplicated on the plus strand (TGGCC on the coding strand, the reverse complement: PLEC is on the minus strand); duplicating any 5 consecutive bases within chr8:143,950,215-143,950,221 gives the same sequence; the c. name uses the placement nearest the transcript's 3' end. VCF-style (leftmost placement, unchanged base first): chr8-143950214-T-TGGCCA. GRCh37 (hg19) VCF-style: chr8-145024382-T-TGGCCA.
Other names: c.488_492dup, p.Arg165fs (NM_201380.4); c.194-11527_194-11523dup (NM_001410941.1, NM_000445.5); c.46+3507_46+3511dup (NM_201379.3); short protein forms R165fs.
Identifiers: ClinVar variation 4987250 (VCV004987250.1).

ClinVar aggregate classification (germline): Uncertain significance (1 of 4 stars; one submission).

Conditions:
PLEC-related disorder. Also called: PLEC-related condition; PLEC-related disorders.

Submission:

PreventionGenetics, part of Exact Sciences
Classification: Uncertain significance for PLEC-related condition. Last evaluated: 2026-03-25. Review status: criteria provided, single submitter. Criteria: ACMG Guidelines, 2015. Collection method: clinical testing. Allele origin: germline.
Comment: The PLEC c.194-11527_194-11523dup5 variant is predicted to result in an intronic duplication. In a different transcript (NM_201380) this variant is referred to as c.488_492dup5 (p.Arg165Trpfs*90). To our knowledge, this variant has not been reported in the literature. This variant is reported in 0.017% of alleles in individuals of African descent in gnomAD. At this time, the clinical significance of this variant is uncertain due to the absence of conclusive functional and genetic evidence.